The following is an entry in ClinVar:

NM_004333.6(BRAF):c.73C>T (p.Pro25Ser)

Gene: BRAF (B-Raf proto-oncogene, serine/threonine kinase; minus strand). Cytogenetic location: 7q34.
Variant type: single nucleotide variant.
Coding change: c.73C>T on transcript NM_004333.6 (MANE Select); coding-DNA position 73, C replaced by T.
Protein change: p.Pro25Ser; replaces proline 25 with serine.
Molecular consequence: missense variant.
Genome position (GRCh38, 1-based): chr7:140,924,631, G>A on the plus strand (C>T on the coding strand, the complement: BRAF is on the minus strand). VCF-style: chr7-140924631-G-A. GRCh37 (hg19) VCF-style: chr7-140624431-G-A.
Other names: p.P25S:CCC>TCC; c.73C>T, p.Pro25Ser (NM_001354609.2, NM_001374244.1, NM_001374258.1 and 7 more transcripts); short protein forms P25S.
Identifiers: ClinVar variation 180782 (VCV000180782.4), dbSNP rs730880412, ClinGen allele CA295900.
Genomic context (GRCh38, chr7:140,924,631, plus strand): 5'-CCGGAATGGCAGGGTCCGCAGCCGAAGAGGCCGCGGCGCCGGCGCCGGCGCCGGCCTCGG[G>A]CTCCATGTCCCCGTTGAACAGAGCCTGGCCCGGCTCCGCGCCGCCACCACCGCCACCGCT-3'
Protein context (NP_004324.2, residues 15-35): GQALFNGDME[Pro25Ser]EAGAGAGAAA

ClinVar aggregate classification (germline): Uncertain significance. Review status: criteria provided, multiple submitters, no conflicts (2 of 4 stars). 3 submissions from 3 submitters: Uncertain significance (3). Last evaluated 2025-10-10.

Conditions:
RASopathy. Also called: rasopathies; Noonan spectrum disorder. Identifiers: Orphanet 536391, MedGen C5555857, MONDO:0021060.

Allele frequency attached by ClinVar (database versions not stated): gnomAD exomes below 0.00001 and 0.00001; TOPMed below 0.00001.
gnomAD v4.1: 4 of 1,513,418 alleles (0.00026%); highest among the groups gnomAD compares: Admixed American, 0.002%; no homozygotes.

Submissions (3):

Labcorp Genetics (formerly Invitae), Labcorp
Classification: Uncertain significance for RASopathy. Last evaluated: 2025-10-10. Review status: criteria provided, single submitter. Criteria: Invitae Variant Classification Sherloc (09022015). Collection method: clinical testing. Allele origin: germline.
Comment: This sequence change replaces proline, which is neutral and non-polar, with serine, which is neutral and polar, at codon 25 of the BRAF protein (p.Pro25Ser). This variant is present in population databases (rs730880412, gnomAD 0.004%). This variant has not been reported in the literature in individuals affected with BRAF-related conditions. ClinVar contains an entry for this variant (Variation ID: 180782). Invitae Evidence Modeling incorporating data from in vitro experimental studies (internal data) indicates that this missense variant is not expected to disrupt BRAF function with a negative predictive value of 95%. In summary, the available evidence is currently insufficient to determine the role of this variant in disease. Therefore, it has been classified as a Variant of Uncertain Significance.

GeneDx
Classification: Uncertain significance. Last evaluated: 2024-06-26. Review status: criteria provided, single submitter. Criteria: GeneDx Variant Classification Process June 2021. Collection method: clinical testing. Allele origin: germline. Affected: yes.
Comment: Missense variants in this gene are a common cause of disease and they are underrepresented in the general population; In silico analysis indicates that this missense variant does not alter protein structure/function; Has not been previously published as pathogenic or benign to our knowledge

Blueprint Genetics
Classification: Uncertain significance. Last evaluated: 2021-09-22. Review status: criteria provided, single submitter. Criteria: ACMG Guidelines, 2015. Collection method: clinical testing. Allele origin: germline.